The following is an entry in ClinVar:

NM_018896.5(CACNA1G):c.5003G>T (p.Arg1668Leu)

Gene: CACNA1G (calcium voltage-gated channel subunit alpha1 G; plus strand). Cytogenetic location: 17q21.33.
Variant type: single nucleotide variant.
Coding change: c.5003G>T on transcript NM_018896.5 (MANE Select); coding-DNA position 5003, G replaced by T.
Protein change: p.Arg1668Leu; replaces arginine 1668 with leucine.
Molecular consequence: missense variant. On other transcripts: non-coding transcript variant (5).
Genome position (GRCh38, 1-based): chr17:50,616,366, G>T. VCF-style: chr17-50616366-G-T. GRCh37 (hg19) VCF-style: chr17-48693727-G-T.
Other names: c.4949G>T, p.Arg1650Leu (NM_001256324.2, NM_001256328.2, NM_198386.3); c.5024G>T, p.Arg1675Leu (NM_001256325.2); c.4868G>T, p.Arg1623Leu (NM_001256326.2, NM_001256330.2); c.5003G>T, p.Arg1668Leu (NM_001256327.2, NM_001256333.2, NM_198384.3 and 1 more transcripts); c.4901G>T, p.Arg1634Leu (NM_001256329.2, NM_198376.3, NM_198379.3 and 2 more transcripts); c.4847G>T, p.Arg1616Leu (NM_001256331.2); c.4832G>T, p.Arg1611Leu (NM_001256332.2); c.4970G>T, p.Arg1657Leu (NM_001256334.2, NM_198377.3, NM_198378.3 and 1 more transcripts); and 5 more; short protein forms R1611L, R1616L, R1623L, R1627L, R1630L, R1632L, R1634L, R1641L.
Identifiers: ClinVar variation 3372435 (VCV003372435.1).
Genomic context (GRCh38, chr17:50,616,366, plus strand): 5'-ACATCTTCACTGTCATCTTTGTCTTGGAGTCAGTTTTCAAACTTGTGGCCTTTGGTTTCC[G>T]TCGGTTCTTCCAGGACAGGTAACGGAGAAAAGGGGGGTCTTGGGGACTTGCGTAGAGATA-3'
Protein context (NP_061496.2, residues 1658-1678): SVFKLVAFGF[Arg1668Leu]RFFQDRWNQL

ClinVar aggregate classification (germline): Uncertain significance (1 of 4 stars; one submission).

gnomAD v4.1: 1 of 1,611,338 alleles (0.000062%); highest among the groups gnomAD compares: Non-Finnish European, 0.000085%; no homozygotes.

Submission:

GeneDx
Classification: Uncertain significance. Last evaluated: 2024-04-15. Review status: criteria provided, single submitter. Criteria: GeneDx Variant Classification Process June 2021. Collection method: clinical testing. Allele origin: germline. Affected: yes.
Comment: Not observed at significant frequency in large population cohorts (gnomAD); In silico analysis supports that this missense variant has a deleterious effect on protein structure/function; Has not been previously published as pathogenic or benign to our knowledge